The following is an entry in ClinVar:

ClinVar aggregate classification (germline): Uncertain significance (1 of 4 stars; one submission).

Conditions:
Renal hypomagnesemia 2 (HOMG2). Also called: MAGNESIUM LOSS, ISOLATED RENAL. Identifiers: Orphanet 34528, MedGen C1835171, MONDO:0007937, OMIM 154020.

Submission:

Juno Genomics, Hangzhou Juno Genomics, Inc
Classification: Uncertain significance for Renal hypomagnesemia 2. Review status: criteria provided, single submitter. Criteria: ACMG Guidelines, 2015. Collection method: clinical testing. Allele origin: germline.
Comment: Absent from controls (or at extremely low frequency if recessive) in Genome Aggregation Database.;Protein length changes due to in-frame deletions/insertions in a non-repeat region or stop-loss variants.

NM_001680.5(FXYD2):c.13_15dup (p.Ser5_Met6insSer)

Genes: FXYD2 (FXYD domain containing ion transport regulator 2; minus strand), FXYD6-FXYD2 (FXYD6-FXYD2 readthrough; minus strand). Cytogenetic location: 11q23.3.
Variant type: Duplication.
Coding change: c.13_15dup on transcript NM_001680.5 (MANE Select); coding-DNA positions 13 to 15, 3 bases duplicated (TCG; older notation c.13_15dupTCG).
Protein change: p.Ser5_Met6insSer.
Molecular consequence: inframe insertion. On other transcripts: intron variant (3).
Genome position (GRCh38, 1-based): chr11:117,824,664-117,824,666, CGA duplicated on the plus strand (TCG on the coding strand, the reverse complement: FXYD2 is on the minus strand); duplicating any 3 consecutive bases within chr11:117,824,664-117,824,667 gives the same sequence; the c. name uses the placement nearest the transcript's 3' end. VCF-style (leftmost placement, unchanged base first): chr11-117824663-T-TCGA. GRCh37 (hg19) VCF-style: chr11-117695378-T-TCGA.
Other names: c.273-1949_273-1947dup (NM_001243598.4); c.260-1949_260-1947dup (NM_001204268.3); c.20-1949_20-1947dup (NM_021603.4).
Identifiers: ClinVar variation 5007784 (VCV005007784.2).